The following is an entry in ClinVar:

NM_004304.5(ALK):c.1931T>C (p.Ile644Thr)

Gene: ALK (ALK receptor tyrosine kinase; minus strand). Cytogenetic location: 2p23.2.
Variant type: single nucleotide variant.
Coding change: c.1931T>C on transcript NM_004304.5 (MANE Select); coding-DNA position 1931, T replaced by C.
Protein change: p.Ile644Thr; replaces isoleucine 644 with threonine.
Molecular consequence: missense variant.
Genome position (GRCh38, 1-based): chr2:29,275,209, A>G on the plus strand (T>C on the coding strand, the complement: ALK is on the minus strand). VCF-style: chr2-29275209-A-G. GRCh37 (hg19) VCF-style: chr2-29498075-A-G.
Other names: c.1931T>C (NM_004304.4); short protein forms I644T.
Identifiers: ClinVar variation 1718950 (VCV001718950.6), dbSNP rs774398992, ClinGen allele CA346479792.

ClinVar aggregate classification (germline): Uncertain significance. Review status: criteria provided, multiple submitters, no conflicts (2 of 4 stars). 2 submissions from 2 submitters: Uncertain significance (2). Last evaluated 2024-12-16.

Conditions:
Neuroblastoma, susceptibility to, 3. Also called: ALK-Related Neuroblastic Tumor Susceptibility. Identifiers: Orphanet 635, MedGen C2751681, MONDO:0013083, OMIM 613014.
Hereditary cancer-predisposing syndrome. Also called: Hereditary neoplastic syndrome; Tumor predisposition; Neoplastic Syndromes, Hereditary; Hereditary Cancer Syndrome. Identifiers: Orphanet 140162, MedGen C0027672, MeSH D009386, MONDO:0015356.

Submissions (2):

Ambry Genetics
Classification: Uncertain significance for Hereditary cancer-predisposing syndrome. Last evaluated: 2024-12-16. Review status: criteria provided, single submitter. Criteria: Ambry Variant Classification Scheme 2023. Collection method: clinical testing. Allele origin: germline.
Comment: The p.I644T variant (also known as c.1931T>C), located in coding exon 11 of the ALK gene, results from a T to C substitution at nucleotide position 1931. The isoleucine at codon 644 is replaced by threonine, an amino acid with similar properties. This amino acid position is conserved. In addition, this alteration is predicted to be tolerated by in silico analysis. Based on the available evidence, the clinical significance of this variant remains unclear.

Labcorp Genetics (formerly Invitae), Labcorp
Classification: Uncertain significance for Neuroblastoma, susceptibility to, 3. Last evaluated: 2023-11-28. Review status: criteria provided, single submitter. Criteria: Invitae Variant Classification Sherloc (09022015). Collection method: clinical testing. Allele origin: germline.
Comment: This sequence change replaces isoleucine, which is neutral and non-polar, with threonine, which is neutral and polar, at codon 644 of the ALK protein (p.Ile644Thr). This variant is not present in population databases (gnomAD no frequency). This variant has not been reported in the literature in individuals affected with ALK-related conditions. ClinVar contains an entry for this variant (Variation ID: 1718950). Algorithms developed to predict the effect of missense changes on protein structure and function output the following: SIFT: "Not Available"; PolyPhen-2: "Benign"; Align-GVGD: "Not Available". The threonine amino acid residue is found in multiple mammalian species, which suggests that this missense change does not adversely affect protein function. In summary, the available evidence is currently insufficient to determine the role of this variant in disease. Therefore, it has been classified as a Variant of Uncertain Significance.